The following is an entry in ClinVar:

ClinVar aggregate classification (germline): Benign/Likely benign. Review status: criteria provided, multiple submitters, no conflicts (2 of 4 stars). 7 submissions from 7 submitters: Benign (2); Likely benign (5). Last evaluated 2026-02-02.

Conditions:
Supravalvar aortic stenosis (SVAS). Also called: Supravalvar aortic stenosis, Eisenberg type. Identifiers: Orphanet 3193, MedGen C0003499, MONDO:0008504, OMIM 185500, HP:0004381.

Allele frequency attached by ClinVar (database versions not stated): 1000 Genomes Project 0.00379; 1000 Genomes Project 30x 0.00406; ESP Exome Variant Server 0.00454; ExAC 0.00121; gnomAD 0.00324 and 0.00347; TOPMed 0.00358.
gnomAD v4.1: 1,084 of 1,613,972 alleles (0.067%); highest among the groups gnomAD compares: African/African-American, 1.1%; 5 homozygotes.

Submissions (7):

Labcorp Genetics (formerly Invitae), Labcorp
Classification: Benign for Supravalvar aortic stenosis. Last evaluated: 2026-02-02. Review status: criteria provided, single submitter. Criteria: Invitae Variant Classification Sherloc (09022015). Collection method: clinical testing. Allele origin: germline.

Molecular Diagnostic Laboratory for Inherited Cardiovascular Disease, Montreal Heart Institute
Classification: Likely benign. Last evaluated: 2025-07-24. Review status: criteria provided, single submitter. Criteria: ACMG Guidelines, 2015. Collection method: clinical testing. Allele origin: germline. Affected: no.
Comment: BS1, BP1, BP4

Blueprint Genetics
Classification: Likely benign. Last evaluated: 2024-10-09. Review status: criteria provided, single submitter. Criteria: ACMG Guidelines, 2015. Collection method: clinical testing. Allele origin: germline.

CeGaT Center for Human Genetics Tuebingen
Classification: Likely benign. Last evaluated: 2023-07-01. Review status: criteria provided, single submitter. Criteria: CeGaT Center For Human Genetics Tuebingen Variant Classification Criteria Version 2. Collection method: clinical testing. Allele origin: germline. Affected: yes. Observed: 1 variant allele.
Comment: ELN: BP4, BS1

GeneDx
Classification: Likely benign. Last evaluated: 2020-11-25. Review status: criteria provided, single submitter. Criteria: GeneDx Variant Classification Process June 2021. Collection method: clinical testing. Allele origin: germline. Affected: yes.
Comment: This variant is associated with the following publications: (PMID: 29332214)

Eurofins Ntd Llc (ga)
Classification: Benign. Last evaluated: 2016-02-11. Review status: criteria provided, single submitter. Criteria: EGL Classification Definitions 2015. Collection method: clinical testing. Allele origin: germline. Observed: 1 variant allele, 1 heterozygote.

Breakthrough Genomics
Classification: Likely benign. Review status: criteria provided, single submitter. Criteria: ACMG Guidelines, 2015. Collection method: not provided. Allele origin: germline. Inheritance: Autosomal dominant inheritance. Affected: yes.

NM_000501.4(ELN):c.892G>A (p.Val298Ile)

Gene: ELN (elastin; plus strand). Cytogenetic location: 7q11.23.
Variant type: single nucleotide variant.
Coding change: c.892G>A on transcript NM_000501.4 (MANE Select); coding-DNA position 892, G replaced by A.
Protein change: p.Val298Ile; replaces valine 298 with isoleucine.
Molecular consequence: missense variant.
Genome position (GRCh38, 1-based): chr7:74,051,926, G>A. VCF-style: chr7-74051926-G-A. GRCh37 (hg19) VCF-style: chr7-73466256-G-A.
Other names: c.892G>A (NM_000501.2); c.862G>A, p.Val288Ile (NM_001081752.3, NM_001278917.2); c.907G>A, p.Val303Ile (NM_001081753.3, NM_001081754.3); c.892G>A, p.Val298Ile (NM_001081755.3, NM_001278912.2, NM_001278915.2 and 1 more transcripts); c.784G>A, p.Val262Ile (NM_001278913.2); c.877G>A, p.Val293Ile (NM_001278914.2); c.850G>A, p.Val284Ile (NM_001278916.2); c.760G>A, p.Val254Ile (NM_001278918.2); short protein forms V298I, V303I, V254I, V262I, V284I, V288I, V293I.
Identifiers: ClinVar variation 238950 (VCV000238950.45), dbSNP rs41526244, ClinGen allele CA4292752.
Genomic context (GRCh38, chr7:74,051,926, plus strand): 5'-GTGTGTCCTTGAGATGGCCACAGGGCAAGGACCTCACCCTCTGTGGCTGTGTTTTCAGGC[G>A]TTGGGACTCCAGCTGCAGCTGCAGCTGCAGCAGCAGCCGCTAAGGCAGCCAAGTATGGTG-3'
Protein context (NP_000492.2, residues 288-308): AIPGIGGIAG[Val298Ile]GTPAAAAAAA